The following is an entry in ClinVar:

ClinVar aggregate classification (germline): Benign. Review status: criteria provided, multiple submitters, no conflicts (2 of 4 stars). 6 submissions from 6 submitters: Benign (6). Last evaluated 2026-02-01.

Allele frequency attached by ClinVar (database versions not stated): ExAC 0.03519; 1000 Genomes Project 0.05591; ESP Exome Variant Server 0.05803; gnomAD 0.05927; 1000 Genomes Project 30x 0.06121; TOPMed 0.06281.
gnomAD v4.1: 15,624 of 1,513,180 alleles (1%); highest among the groups gnomAD compares: African/African-American, 19%; 1,321 homozygotes.

Submissions (6):

Labcorp Genetics (formerly Invitae), Labcorp
Classification: Benign. Last evaluated: 2026-02-01. Review status: criteria provided, single submitter. Criteria: Invitae Variant Classification Sherloc (09022015). Collection method: clinical testing. Allele origin: germline.

Mayo Clinic Laboratories, Mayo Clinic
Classification: Benign. Last evaluated: 2022-04-17. Review status: criteria provided, single submitter. Criteria: ACMG Guidelines, 2015. Collection method: clinical testing. Allele origin: germline. Observed: 8 variant alleles.

Athena Diagnostics
Classification: Benign. Last evaluated: 2018-05-23. Review status: criteria provided, single submitter. Criteria: Athena Diagnostics Criteria. Collection method: clinical testing. Allele origin: germline.

GeneDx
Classification: Benign. Last evaluated: 2017-11-17. Review status: criteria provided, single submitter. Criteria: GeneDx Variant Classification (06012015). Collection method: clinical testing. Allele origin: germline. Affected: yes.
Comment: This variant is considered likely benign or benign based on one or more of the following criteria: it is a conservative change, it occurs at a poorly conserved position in the protein, it is predicted to be benign by multiple in silico algorithms, and/or has population frequency not consistent with disease.

Laboratory for Molecular Medicine, Mass General Brigham Personalized Medicine
Classification: Benign. Last evaluated: 2014-11-24. Review status: criteria provided, single submitter. Criteria: LMM Criteria. Collection method: clinical testing. Allele origin: germline. Observed: 26 variant alleles.
Comment: 2364-6G>A in intron 20 of OTOGL: This variant is not expected to have clinical s ignificance because it has been identified in 18.5% (678/3662) of African Americ an chromosomes from a broad population by the NHLBI Exome Sequencing Project (dbSNP rs9783425).

Breakthrough Genomics
Classification: Benign. Review status: criteria provided, single submitter. Criteria: ACMG Guidelines, 2015. Collection method: not provided. Allele origin: germline. Inheritance: Autosomal recessive inheritance. Affected: yes.

NM_001378609.3(OTOGL):c.2391-6G>A

Gene: OTOGL (otogelin like; plus strand). Cytogenetic location: 12q21.31.
Variant type: single nucleotide variant.
Coding change: c.2391-6G>A on transcript NM_001378609.3 (MANE Select); 6 bases into the intron before coding-DNA position 2391, G replaced by A.
Molecular consequence: intron variant.
Genome position (GRCh38, 1-based): chr12:80,267,247, G>A. VCF-style: chr12-80267247-G-A. GRCh37 (hg19) VCF-style: chr12-80661027-G-A.
Other names: p.?; c.2391-6G>A (NM_001368062.3, NM_001378610.3, NM_173591.7).
Identifiers: ClinVar variation 226932 (VCV000226932.16), dbSNP rs9783425, ClinGen allele CA6700771.
Genomic context (GRCh38, chr12:80,267,247, plus strand): 5'-CAGCTTGAATTTTAGTGGTTTTTGAAAAAAATTGTATCCTATTTACTTTACTTTTTCTTC[G>A]TATAGATTCCACTGCCGTTGTCATTATAGGGGCAGTGTTTATCAACCTGGAGAGCTCATC-3'